The following is an entry in ClinVar:

ClinVar aggregate classification (germline): Pathogenic. Review status: criteria provided, multiple submitters, no conflicts (2 of 4 stars). 3 submissions from 3 submitters: Pathogenic (2). 1 of the submissions does not count toward it. Last evaluated 2026-09-11.

Conditions:
Hypertrophic cardiomyopathy. Also called: HYPERTROPHIC MYOCARDIOPATHY. Identifiers: Orphanet 217569, MedGen C0007194, MeSH D002312, MONDO:0005045, HP:0001639.
Cardiovascular phenotype. Identifiers: MedGen CN230736.

Submissions (3):

Ambry Genetics
Classification: Pathogenic for Cardiovascular phenotype. Last evaluated: 2026-09-11. Review status: criteria provided, single submitter. Criteria: Ambry Variant Classification Scheme 2023. Collection method: clinical testing. Allele origin: germline.
Comment: The c.1440_1441delGGinsC pathogenic mutation, located in coding exon 16 of the MYBPC3 gene, results from the deletion of two nucleotides and insertion of one nucleotide causing a translational frameshift with a predicted alternate stop codon (p.E480Dfs*8). This variant was reported in individual(s) with features consistent with hypertrophic cardiomyopathy (Kolokotronis K et al. J Clin Med, 2020 Jul;9; Ambry internal data). This variant is considered to be rare based on population cohorts in the Genome Aggregation Database (gnomAD). This alteration is expected to result in loss of function by premature protein truncation or nonsense-mediated mRNA decay. As such, this alteration is interpreted as a disease-causing mutation.

Labcorp Genetics (formerly Invitae), Labcorp
Classification: Pathogenic for Hypertrophic cardiomyopathy. Last evaluated: 2021-01-25. Review status: criteria provided, single submitter. Criteria: Invitae Variant Classification Sherloc (09022015). Collection method: clinical testing. Allele origin: germline.
Comment: For these reasons, this variant has been classified as Pathogenic. Loss-of-function variants in MYBPC3 are known to be pathogenic (PMID: 19574547). This variant has not been reported in the literature in individuals with MYBPC3-related disease. ClinVar contains an entry for this variant (Variation ID: 662561). This variant is not present in population databases (ExAC no frequency). This sequence change creates a premature translational stop signal (p.Glu480Aspfs*8) in the MYBPC3 gene. It is expected to result in an absent or disrupted protein product.

Institute of Human Genetics, University of Wuerzburg
Classification: Likely pathogenic for Hypertrophic cardiomyopathy. Review status: no assertion criteria provided. Collection method: clinical testing. Allele origin: unknown. Not counted in ClinVar's aggregate classification.

Literature cited by the submitters: PubMed 32659924 (cited by Ambry Genetics); PubMed 19574547 (cited by Labcorp Genetics (formerly Invitae), Labcorp).

NM_000256.3(MYBPC3):c.1440_1441delinsC (p.Glu480fs)

Gene: MYBPC3 (myosin binding protein C3; minus strand). Cytogenetic location: 11p11.2.
Variant type: Indel.
Coding change: c.1440_1441delinsC on transcript NM_000256.3 (MANE Select); coding-DNA positions 1440 to 1441, GG replaced by C.
Protein change: p.Glu480fs; shifts the reading frame from glutamic acid 480.
Molecular consequence: frameshift variant.
Genome position (GRCh38, 1-based): chr11:47,342,846-47,342,847, CC replaced by G on the plus strand (GG replaced by C on the coding strand, the reverse complement: MYBPC3 is on the minus strand). VCF-style: chr11-47342846-CC-G. GRCh37 (hg19) VCF-style: chr11-47364397-CC-G.
Other names: c.1440_1441delinsC, p.Glu480fs (LRG_386t1); c.1440_1441delGGinsC (NM_000256.3); short protein forms E480fs.
Identifiers: ClinVar variation 662561 (VCV000662561.7), dbSNP rs1595846344, ClinGen allele CA915948157.